The following is an entry in ClinVar:

ClinVar aggregate classification (germline): Uncertain significance (1 of 4 stars; one submission).

Submission:

Women's Health and Genetics/Laboratory Corporation of America, LabCorp
Classification: Uncertain significance. Last evaluated: 2024-09-30. Review status: criteria provided, single submitter. Criteria: LabCorp Variant Classification Summary - May 2015. Collection method: clinical testing. Allele origin: germline.
Comment: Variant summary: CYP21A2 c.494T>C (p.Phe165Ser) results in a non-conservative amino acid change in the encoded protein sequence. Four of five in-silico tools predict a damaging effect of the variant on protein function. The variant was absent in 249034 control chromosomes. The available data on variant occurrences in the general population are insufficient to allow any conclusion about variant significance. c.494T>C has been reported in the literature in the compound heterozygous state in at least one individual affected with Congenital Adrenal Hyperplasia (e.g. Wang_2016). These data do not allow any conclusion about variant significance. To our knowledge, no experimental evidence demonstrating an impact on protein function has been reported. The following publication have been ascertained in the context of this evaluation (PMID: 26804566). No submitters have cited clinical-significance assessments for this variant to ClinVar. Based on the evidence outlined above, the variant was classified as uncertain significance.

Literature cited by the submitters: PubMed 26804566.

NM_000500.9(CYP21A2):c.494T>C (p.Phe165Ser)

Genes: CYP21A2 (cytochrome P450 family 21 subfamily A member 2; plus strand), LOC106780800 (CYP21A2 recombination region; plus strand). Cytogenetic location: 6p21.33.
Variant type: single nucleotide variant.
Coding change: c.494T>C on transcript NM_000500.9 (MANE Select); coding-DNA position 494, T replaced by C.
Protein change: p.Phe165Ser; replaces phenylalanine 165 with serine.
Molecular consequence: missense variant.
Genome position (GRCh38, 1-based): chr6:32,039,402, T>C. VCF-style: chr6-32039402-T-C. GRCh37 (hg19) VCF-style: chr6-32007179-T-C.
Other names: c.404T>C, p.Phe135Ser (NM_001128590.4); c.89T>C, p.Phe30Ser (NM_001368143.2, NM_001368144.2); short protein forms F135S, F165S, F30S.
Identifiers: ClinVar variation 3375242 (VCV003375242.1).
Genomic context (GRCh38, chr6:32,039,402, plus strand): 5'-CTGTTTCTCCACAGCGCATGAGAGCCCAGCCCGGCACCCCTGTGGCCATTGAGGAGGAAT[T>C]CTCTCTCCTCACCTGCAGCATCATCTGTTACCTCACCTTCGGAGACAAGATCAAGGTGCC-3'
Protein context (NP_000491.4, residues 155-175): PGTPVAIEEE[Phe165Ser]SLLTCSIICY